The following is an entry in ClinVar:

NM_000038.6(APC):c.1717del (p.Met573fs)

Gene: APC (APC regulator of Wnt signaling pathway; plus strand). Cytogenetic location: 5q22.2.
Variant type: Deletion.
Coding change: c.1717del on transcript NM_000038.6 (MANE Select); coding-DNA position 1717, one base deleted (A; older notation c.1717delA).
Protein change: p.Met573fs; shifts the reading frame from methionine 573.
Molecular consequence: frameshift variant.
Genome position (GRCh38, 1-based): chr5:112,828,946, A deleted. VCF-style (leftmost placement, unchanged base first): chr5-112828945-GA-G. GRCh37 (hg19) VCF-style: chr5-112164642-GA-G.
Other names: c.1717del, p.Met573fs (NM_001127510.3, NM_001354895.2); c.1663del, p.Met555fs (NM_001127511.3); c.1771del, p.Met591fs (NM_001354896.2); c.1747del, p.Met583fs (NM_001354897.2); c.1642del, p.Met548fs (NM_001354898.2); c.1633del, p.Met545fs (NM_001354899.2); c.1594del, p.Met532fs (NM_001354900.2); c.1540del, p.Met514fs (NM_001354901.2); and 5 more; short protein forms M290fs, M482fs, M555fs, M573fs, M413fs, M447fs, M545fs, M583fs.
Identifiers: ClinVar variation 838384 (VCV000838384.9), dbSNP rs1764024038, ClinGen allele CA916080348.

ClinVar aggregate classification (germline): Pathogenic (1 of 4 stars; one submission).

Conditions:
Familial adenomatous polyposis 1 (FAP1). Also called: FAMILIAL ADENOMATOUS POLYPOSIS 1, ATTENUATED; POLYPOSIS, ADENOMATOUS INTESTINAL. Identifiers: MedGen C2713442, MONDO:0021056, OMIM 175100. Disease mechanism: loss of function.

Submission:

Labcorp Genetics (formerly Invitae), Labcorp
Classification: Pathogenic for Familial adenomatous polyposis 1. Last evaluated: 2025-03-17. Review status: criteria provided, single submitter. Criteria: Invitae Variant Classification Sherloc (09022015). Collection method: clinical testing. Allele origin: germline.
Comment: This sequence change creates a premature translational stop signal (p.Met573Trpfs*5) in the APC gene. It is expected to result in an absent or disrupted protein product. Loss-of-function variants in APC are known to be pathogenic (PMID: 17963004, 20685668). This variant is not present in population databases (gnomAD no frequency). This variant has not been reported in the literature in individuals affected with APC-related conditions. ClinVar contains an entry for this variant (Variation ID: 838384). For these reasons, this variant has been classified as Pathogenic.

Literature cited by the submitters: PubMed 17963004; PubMed 20685668.